The following is an entry in ClinVar:

ClinVar aggregate classification (germline): Uncertain significance (1 of 4 stars; one submission).

Submission:

Labcorp Genetics (formerly Invitae), Labcorp
Classification: Uncertain significance. Last evaluated: 2024-12-04. Review status: criteria provided, single submitter. Criteria: Invitae Variant Classification Sherloc (09022015). Collection method: clinical testing. Allele origin: germline.
Comment: This sequence change creates a premature translational stop signal (p.Leu1103*) in the WNK4 gene. It is expected to result in an absent or disrupted protein product. However, the current clinical and genetic evidence is not sufficient to establish whether loss-of-function variants in WNK4 cause disease. The frequency data for this variant in the population databases is considered unreliable, as metrics indicate poor data quality at this position in the gnomAD database. This variant has not been reported in the literature in individuals affected with WNK4-related conditions. In summary, the available evidence is currently insufficient to determine the role of this variant in disease. Therefore, it has been classified as a Variant of Uncertain Significance.

NM_032387.5(WNK4):c.3307del (p.Pro1102_Leu1103insTer)

Gene: WNK4 (WNK lysine deficient protein kinase 4; plus strand). Cytogenetic location: 17q21.2.
Variant type: Deletion.
Coding change: c.3307del on transcript NM_032387.5 (MANE Select); coding-DNA position 3307, one base deleted (C; older notation c.3307delC).
Protein change: p.Pro1102_Leu1103insTer.
Molecular consequence: nonsense.
Genome position (GRCh38, 1-based): chr17:42,795,909, C deleted; the last of 4 consecutive C bases (chr17:42,795,906-42,795,909); deleting any one gives the same sequence. VCF-style (leftmost placement, unchanged base first): chr17-42795905-AC-A. GRCh37 (hg19) VCF-style: chr17-40947923-AC-A.
Other names: c.2299del, p.Pro766_Leu767insTer (NM_001321299.2).
Identifiers: ClinVar variation 3713460 (VCV003713460.2).